The following is an entry in ClinVar:

NM_002354.3(EPCAM):c.574A>T (p.Thr192Ser)

Gene: EPCAM (epithelial cell adhesion molecule; plus strand). Cytogenetic location: 2p21.
Variant type: single nucleotide variant.
Coding change: c.574A>T on transcript NM_002354.3 (MANE Select); coding-DNA position 574, A replaced by T.
Protein change: p.Thr192Ser; replaces threonine 192 with serine.
Molecular consequence: missense variant.
Genome position (GRCh38, 1-based): chr2:47,378,971, A>T. VCF-style: chr2-47378971-A-T. GRCh37 (hg19) VCF-style: chr2-47606110-A-T.
Other names: short protein forms T192S.
Identifiers: ClinVar variation 136026 (VCV000136026.12), dbSNP rs587780769, ClinGen allele CA332788.

ClinVar aggregate classification (germline): Uncertain significance. Review status: criteria provided, multiple submitters, no conflicts (2 of 4 stars). 3 submissions from 3 submitters: Uncertain significance (3). Last evaluated 2024-09-24.

Conditions:
Congenital diarrhea 5 with tufting enteropathy. Also called: INTESTINAL EPITHELIAL CELL DYSPLASIA; Congenital tufting enteropathy. Identifiers: Orphanet 92050, MedGen C2750737, MONDO:0013184, OMIM 613217.
Lynch syndrome 8 (LYNCH8). Also called: Colorectal cancer, hereditary nonpolyposis, type 8. Identifiers: Orphanet 144, MedGen C2750471, MONDO:0013196, OMIM 613244.

Allele frequency attached by ClinVar (database versions not stated): gnomAD exomes 0.00002 and 0.00005; ExAC 0.00003; gnomAD 0.00003; TOPMed 0.00004.
gnomAD v4.1: 33 of 1,545,022 alleles (0.0021%); highest among the groups gnomAD compares: Admixed American, 0.0083%; no homozygotes.

Submissions (3):

Blueprint Genetics
Classification: Uncertain significance. Last evaluated: 2024-09-24. Review status: criteria provided, single submitter. Criteria: ACMG Guidelines, 2015. Collection method: clinical testing. Allele origin: germline.

Fulgent Genetics
Classification: Uncertain significance for Congenital diarrhea 5 with tufting enteropathy; Lynch syndrome 8. Last evaluated: 2021-10-27. Review status: criteria provided, single submitter. Criteria: ACMG Guidelines, 2015. Collection method: clinical testing. Allele origin: unknown.

Labcorp Genetics (formerly Invitae), Labcorp
Classification: Uncertain significance. Last evaluated: 2016-11-18. Review status: criteria provided, single submitter. Criteria: Invitae Variant Classification Sherloc (09022015). Collection method: clinical testing. Allele origin: germline.
Comment: In summary, this is a rare missense change that is not predicted to affect protein function or cause disease. However, the evidence is insufficient at this time to prove that conclusively. Therefore, it has been classified as a Variant of Uncertain Significance. Algorithms developed to predict the effect of missense changes on protein structure and function (SIFT, PolyPhen-2, Align-GVGD) all suggest that this variant is likely to be tolerated, but these predictions have not been confirmed by published functional studies. This variant is present in population databases (rs587780769, ExAC 0.006%) but has not been reported in the literature in individuals with a EPCAM-related disease. ClinVar contains an entry for this variant (Variation ID: 136026). This sequence change replaces threonine with serine at codon 192 of the EPCAM protein (p.Thr192Ser). The threonine residue is highly conserved and there is a small physicochemical difference between threonine and serine.